The following is an entry in ClinVar:

ClinVar aggregate classification (germline): Pathogenic (3 of 4 stars; one submission).

Conditions:
Breast-ovarian cancer, familial, susceptibility to, 1 (BROVCA1). Also called: BRCA1 Hereditary Breast and Ovarian Cancer; OVARIAN CANCER, SUSCEPTIBILITY TO. Identifiers: Orphanet 145, MedGen C2676676, MONDO:0011450, OMIM 604370. Disease mechanism: loss of function.

Submission:

Evidence-based Network for the Interpretation of Germline Mutant Alleles (ENIGMA)
Classification: Pathogenic for Breast-ovarian cancer, familial, susceptibility to, 1. Last evaluated: 2016-10-18. Review status: reviewed by expert panel. Criteria: ENIGMA BRCA1/2 Classification Criteria (2015). Collection method: curation. Allele origin: germline.
Comment: Variant allele predicted to encode a truncated non-functional protein.

NM_007294.4(BRCA1):c.5239dup (p.Gln1747fs)

Gene: BRCA1 (BRCA1 DNA repair associated; minus strand). Cytogenetic location: 17q21.31.
Variant type: Duplication.
Coding change: c.5239dup on transcript NM_007294.4 (MANE Select); coding-DNA position 5239, one base duplicated (C; older notation c.5239dupC).
Protein change: p.Gln1747fs; shifts the reading frame from glutamine 1747.
Molecular consequence: frameshift variant. On other transcripts: non-coding transcript variant (1).
Genome position (GRCh38, 1-based): chr17:43,057,090, G duplicated on the plus strand (C on the coding strand, the reverse complement: BRCA1 is on the minus strand); the first of 2 consecutive G bases (chr17:43,057,090-43,057,091); duplicating either gives the same sequence. VCF-style (leftmost placement, unchanged base first): chr17-43057089-T-TG. GRCh37 (hg19) VCF-style: chr17-41209106-T-TG.
Other names: 5358insC; c.5239dup, p.Gln1747fs (NM_007294.3); c.5094dup, p.Gln1699Profs (NM_001407945.1, NM_001407732.1, NM_001407733.1 and 21 more transcripts); c.4905dup, p.Gln1636Profs (NM_001407946.1, NM_001407947.1, NM_001407948.1 and 1 more transcripts); c.4902dup, p.Gln1635Profs (NM_001407950.1, NM_001407951.1, NM_001407952.1 and 3 more transcripts); c.4899dup, p.Gln1634Profs (NM_001407956.1, NM_001407957.1, NM_001407958.1); c.4857dup, p.Gln1620Profs (NM_001407959.1); c.4854dup, p.Gln1619Profs (NM_001407960.1, NM_001407962.1); and 77 more; short protein forms Q1700fs, Q1747fs, Q643fs, Q1768fs.
Identifiers: ClinVar variation 266539 (VCV000266539.4), dbSNP rs886040282, ClinGen allele CA10589606.
Genomic context (GRCh38, chr17:43,057,089, plus strand): 5'-CAACTTGAGGGAGGGAGCTTTACCTTTCTGTCCTGGGATTCTCTTGCTCGCTTTGGACCT[T>TG]GGTGGTTTCTTCCATTGACCACATCTCCTCTGACTTCAAAATCATGCTGAAAGAAACCAA-3'